The following is an entry in ClinVar:

ClinVar aggregate classification (germline): Benign (1 of 4 stars; one submission).

Conditions:
EPILEPSY, CHILDHOOD ABSENCE, SUSCEPTIBILITY TO, 2 (ECA2). Identifiers: Orphanet 64280, MedGen C1843244, OMIM 607681.

Allele frequency attached by ClinVar (database versions not stated): gnomAD exomes 0.21583; gnomAD 0.32284 and 0.32390; TOPMed 0.32341; 1000 Genomes Project 30x 0.37648; 1000 Genomes Project 0.37939.
gnomAD v4.1: 49,374 of 153,912 alleles (32%); highest among the groups gnomAD compares: African/African-American, 49%; 8,926 homozygotes.

Submission:

Illumina Laboratory Services, Illumina
Classification: Benign for Febrile seizures, familial, 8. Last evaluated: 2018-01-12. Review status: criteria provided, single submitter. Criteria: ICSL Variant Classification Criteria 13 December 2019. Collection method: clinical testing. Allele origin: germline.
Comment: This variant was observed in the ICSL laboratory as part of a predisposition screen in an ostensibly healthy population. It had not been previously curated by ICSL or reported in the Human Gene Mutation Database (HGMD: prior to June 1st, 2018), and was therefore a candidate for classification through an automated scoring system. Utilizing variant allele frequency, disease prevalence and penetrance estimates, and inheritance mode, an automated score was calculated to assess if this variant is too frequent to cause the disease. Based on the score and internal cut-off values, a variant classified as benign is not then subjected to further curation. The score for this variant resulted in a classification of benign for this disease.

NM_198904.4(GABRG2):c.*609C>T

Gene: GABRG2 (gamma-aminobutyric acid type A receptor subunit gamma2; plus strand). Cytogenetic location: 5q34.
Variant type: single nucleotide variant.
Coding change: c.*609C>T on transcript NM_198904.4 (MANE Select); 609 bases downstream of the stop codon, C replaced by T.
Molecular consequence: 3 prime UTR variant.
Genome position (GRCh38, 1-based): chr5:162,153,977, C>T. VCF-style: chr5-162153977-C-T. GRCh37 (hg19) VCF-style: chr5-161580983-C-T.
Other names: c.*609C>T (NM_000816.3, NM_001375339.1, NM_001375341.1 and 10 more transcripts); c.*871C>T (NM_001375340.1).
Identifiers: ClinVar variation 352655 (VCV000352655.5), dbSNP rs418210, ClinGen allele CA10621235.